The following is an entry in ClinVar:

NM_002691.4(POLD1):c.358_359inv (p.Gly120Pro)

Gene: POLD1 (DNA polymerase delta 1, catalytic subunit; plus strand). Cytogenetic location: 19q13.33.
Variant type: Inversion.
Coding change: c.358_359inv on transcript NM_002691.4 (MANE Select).
Protein change: p.Gly120Pro; replaces glycine 120 with proline.
Molecular consequence: missense variant. On other transcripts: non-coding transcript variant (1).
Genome position: GRCh38 VCF-style: chr19-50401819-GG-CC. GRCh37 (hg19) VCF-style: chr19-50905076-GG-CC.
Other names: c.358_359inv, p.Gly120Pro (NM_001256849.1, NM_001308632.1); short protein forms G120P.
Identifiers: ClinVar variation 3725017 (VCV003725017.2).
Genomic context (GRCh38, chr19:50,401,819, plus strand): 5'-TTACCCTGTGACCCCACAGGCCCAGCGCAGCCTGTGCCTGGGGGGCCCCCACCATCCCGC[GG>CC]CTCCGTGCCTGTGCTCCGCGCCTTCGGGGTCACCGATGAGGGGTTCTCTGTCTGCTGCCA-3'
Protein context (NP_002682.2, residues 110-130): PVPGGPPPSR[Gly120Pro]SVPVLRAFGV

ClinVar aggregate classification (germline): Uncertain significance (1 of 4 stars; one submission).

Conditions:
POLD1-related polyposis and colorectal cancer syndrome (CRCS10). Also called: Colorectal cancer 10; COLORECTAL CANCER, SUSCEPTIBILITY TO, ON CHROMOSOME 19q; Colorectal cancer, susceptibility to, 10. Identifiers: Orphanet 220460, MedGen C2675481, MONDO:0012953, OMIM 612591.

Submission:

Labcorp Genetics (formerly Invitae), Labcorp
Classification: Uncertain significance for POLD1-related polyposis and colorectal cancer syndrome. Last evaluated: 2024-11-11. Review status: criteria provided, single submitter. Criteria: Invitae Variant Classification Sherloc (09022015). Collection method: clinical testing. Allele origin: germline.
Comment: This sequence change replaces glycine, which is neutral and non-polar, with proline, which is neutral and non-polar, at codon 120 of the POLD1 protein (p.Gly120Pro). Information on the frequency of this variant in the gnomAD database is not available, as this variant may be reported differently in the database. This variant has not been reported in the literature in individuals affected with POLD1-related conditions. An algorithm developed to predict the effect of missense changes on protein structure and function (PolyPhen-2) suggests that this variant is likely to be tolerated. In summary, the available evidence is currently insufficient to determine the role of this variant in disease. Therefore, it has been classified as a Variant of Uncertain Significance.